The following is an entry in ClinVar:

NM_017757.3(ZNF407):c.4236A>T (p.Thr1412=)

Gene: ZNF407 (zinc finger protein 407; plus strand). Cytogenetic location: 18q22.3.
Variant type: single nucleotide variant.
Coding change: c.4236A>T on transcript NM_017757.3 (MANE Select); coding-DNA position 4236, A replaced by T.
Protein change: p.Thr1412=; no amino-acid change (threonine 1412 retained).
Molecular consequence: synonymous variant.
Genome position (GRCh38, 1-based): chr18:74,635,255, A>T. VCF-style: chr18-74635255-A-T. GRCh37 (hg19) VCF-style: chr18-72347211-A-T.
Other names: c.4236A>T, p.Thr1412= (NM_001146189.1, NM_001146190.1, NM_001384475.1).
Identifiers: ClinVar variation 4084542 (VCV004084542.8).

ClinVar aggregate classification (germline): Likely benign (1 of 4 stars; one submission).

Submission:

CeGaT Center for Human Genetics Tuebingen
Classification: Likely benign. Last evaluated: 2025-07-01. Review status: criteria provided, single submitter. Criteria: CeGaT Center For Human Genetics Tuebingen Variant Classification Criteria Version 2. Collection method: clinical testing. Allele origin: germline. Affected: yes. Observed: 1 variant allele.
Comment: ZNF407: PM2:Supporting, BP4, BP7